The following is an entry in ClinVar:

NM_001458.5(FLNC):c.2707G>C (p.Asp903His)

Gene: FLNC (filamin C; plus strand). Cytogenetic location: 7q32.1.
Variant type: single nucleotide variant.
Coding change: c.2707G>C on transcript NM_001458.5 (MANE Select); coding-DNA position 2707, G replaced by C.
Protein change: p.Asp903His; replaces aspartic acid 903 with histidine.
Molecular consequence: missense variant.
Genome position (GRCh38, 1-based): chr7:128,843,473, G>C. VCF-style: chr7-128843473-G-C. GRCh37 (hg19) VCF-style: chr7-128483527-G-C.
Other names: c.2707G>C, p.Asp903His (NM_001127487.2); short protein forms D903H.
Identifiers: ClinVar variation 2934567 (VCV002934567.3), dbSNP rs781591239, ClinGen allele CA4474827.

ClinVar aggregate classification (germline): Uncertain significance (1 of 4 stars; one submission).

Conditions:
Myofibrillar myopathy 5. Also called: Filaminopathy (type); FILAMINOPATHY, AUTOSOMAL DOMINANT. Identifiers: Orphanet 171445, MedGen C1836050, MONDO:0012289, OMIM 609524.
Distal myopathy with posterior leg and anterior hand involvement. Also called: WILLIAMS DISTAL MYOPATHY. Identifiers: Orphanet 63273, MedGen C3279722, MONDO:0013550, OMIM 614065.
Hypertrophic cardiomyopathy 26. Also called: Cardiomyopathy, familial hypertrophic, 26. Identifiers: Orphanet 75249, MedGen C4310749, MONDO:0014883, OMIM 617047.

Allele frequency attached by ClinVar (database versions not stated): gnomAD exomes below 0.00001; ExAC 0.00001.

Submission:

Labcorp Genetics (formerly Invitae), Labcorp
Classification: Uncertain significance for Distal myopathy with posterior leg and anterior hand involvement; Myofibrillar myopathy 5; Hypertrophic cardiomyopathy 26. Last evaluated: 2024-07-01. Review status: criteria provided, single submitter. Criteria: Invitae Variant Classification Sherloc (09022015). Collection method: clinical testing. Allele origin: germline.
Comment: This sequence change replaces aspartic acid, which is acidic and polar, with histidine, which is basic and polar, at codon 903 of the FLNC protein (p.Asp903His). This variant is present in population databases (rs781591239, gnomAD 0.006%). This variant has not been reported in the literature in individuals affected with FLNC-related conditions. Advanced modeling of protein sequence and biophysical properties (such as structural, functional, and spatial information, amino acid conservation, physicochemical variation, residue mobility, and thermodynamic stability) has been performed at Invitae for this missense variant, however the output from this modeling did not meet the statistical confidence thresholds required to predict the impact of this variant on FLNC protein function. In summary, the available evidence is currently insufficient to determine the role of this variant in disease. Therefore, it has been classified as a Variant of Uncertain Significance.